The following is an entry in ClinVar:

NM_003482.4(KMT2D):c.2517G>T (p.Glu839Asp)

Gene: KMT2D (lysine methyltransferase 2D; minus strand). Cytogenetic location: 12q13.12.
Variant type: single nucleotide variant.
Coding change: c.2517G>T on transcript NM_003482.4 (MANE Select); coding-DNA position 2517, G replaced by T.
Protein change: p.Glu839Asp; replaces glutamic acid 839 with aspartic acid.
Molecular consequence: missense variant.
Genome position (GRCh38, 1-based): chr12:49,051,166, C>A on the plus strand (G>T on the coding strand, the complement: KMT2D is on the minus strand). VCF-style: chr12-49051166-C-A. GRCh37 (hg19) VCF-style: chr12-49444949-C-A.
Other names: short protein forms E839D.
Identifiers: ClinVar variation 2745903 (VCV002745903.3), dbSNP rs1418714844, ClinGen allele CA384665635.

ClinVar aggregate classification (germline): Uncertain significance (1 of 4 stars; one submission).

Conditions:
Kabuki syndrome. Also called: NIIKAWA-KUROKI SYNDROME; Kabuki make-up syndrome. Identifiers: Orphanet 2322, MedGen C0796004, MONDO:0016512.

Submission:

Labcorp Genetics (formerly Invitae), Labcorp
Classification: Uncertain significance for Kabuki syndrome. Last evaluated: 2023-07-22. Review status: criteria provided, single submitter. Criteria: Invitae Variant Classification Sherloc (09022015). Collection method: clinical testing. Allele origin: germline.
Comment: This sequence change replaces glutamic acid, which is acidic and polar, with aspartic acid, which is acidic and polar, at codon 839 of the KMT2D protein (p.Glu839Asp). This variant is not present in population databases (gnomAD no frequency). This variant has not been reported in the literature in individuals affected with KMT2D-related conditions. Advanced modeling of protein sequence and biophysical properties (such as structural, functional, and spatial information, amino acid conservation, physicochemical variation, residue mobility, and thermodynamic stability) performed at Invitae indicates that this missense variant is not expected to disrupt KMT2D protein function. In summary, the available evidence is currently insufficient to determine the role of this variant in disease. Therefore, it has been classified as a Variant of Uncertain Significance.